The following is an entry in ClinVar:

ClinVar aggregate classification (germline): Pathogenic (1 of 4 stars; one submission).

Conditions:
Leber congenital amaurosis 1 (LCA1). Also called: AMAUROSIS CONGENITA OF LEBER I; RETINAL BLINDNESS, CONGENITAL; Congenital absence of the rods and cones; Leber's congenital tapetoretinal degeneration; Leber's congenital tapetoretinal dysplasia. Identifiers: Orphanet 65, MedGen C2931258, MONDO:0008764, OMIM 204000.

Submission:

3billion
Classification: Pathogenic for Leber congenital amaurosis 1. Last evaluated: 2023-09-01. Review status: criteria provided, single submitter. Criteria: ACMG Guidelines, 2015. Collection method: clinical testing. Allele origin: germline. Affected: yes.
Comment: The variant is not observed in the gnomAD v2.1.1 dataset. Predicted Consequence/Location: Stop-gained (nonsense): predicted to result in a loss or disruption of normal protein function through nonsense-mediated decay (NMD) or protein truncation. Multiple pathogenic variants are reported downstream of the variant. Therefore, this variant is classified as Pathogenic according to the recommendation of ACMG/AMP guideline.

NM_000180.4(GUCY2D):c.582G>A (p.Trp194Ter)

Gene: GUCY2D (guanylate cyclase 2D, retinal; plus strand). Cytogenetic location: 17p13.1.
Variant type: single nucleotide variant.
Coding change: c.582G>A on transcript NM_000180.4 (MANE Select); coding-DNA position 582, G replaced by A.
Protein change: p.Trp194Ter; replaces tryptophan 194 with a stop codon.
Molecular consequence: nonsense.
Genome position (GRCh38, 1-based): chr17:8,003,629, G>A. VCF-style: chr17-8003629-G-A. GRCh37 (hg19) VCF-style: chr17-7906947-G-A.
Other names: short protein forms W194*.
Identifiers: ClinVar variation 3775417 (VCV003775417.1).